The following is an entry in ClinVar:

ClinVar aggregate classification (germline): Uncertain significance (1 of 4 stars; one submission).

Conditions:
POLR1D-related disorder. Also called: POLR1D-related condition.

Submission:

PreventionGenetics, part of Exact Sciences
Classification: Uncertain significance for POLR1D-related condition. Last evaluated: 2026-05-21. Review status: criteria provided, single submitter. Criteria: ACMG Guidelines, 2015. Collection method: clinical testing. Allele origin: germline.
Comment: The POLR1D c.62G>A variant is predicted to result in the amino acid substitution p.Gly21Asp. To our knowledge, this variant has not been reported in the literature or in a large population database (gnomAD), indicating this variant is rare. At this time, the clinical significance of this variant is uncertain due to the absence of conclusive functional and genetic evidence.

NM_015972.4(POLR1D):c.62G>A (p.Gly21Asp)

Genes: POLR1D (RNA polymerase I and III subunit D; plus strand), LOC147380392 (uncharacterized LOC147380392; plus strand). Cytogenetic location: 13q12.2.
Variant type: single nucleotide variant.
Coding change: c.62G>A on transcript NM_015972.4 (MANE Select); coding-DNA position 62, G replaced by A.
Protein change: p.Gly21Asp; replaces glycine 21 with aspartic acid.
Molecular consequence: missense variant. On other transcripts: intron variant (2).
Genome position (GRCh38, 1-based): chr13:27,622,910, G>A. VCF-style: chr13-27622910-G-A. GRCh37 (hg19) VCF-style: chr13-28197047-G-A.
Other names: c.62G>A, p.Gly21Asp (NM_001374407.1); c.-59+1770G>A (NM_001206559.2); c.26+901G>A (NM_152705.3); short protein forms G21D.
Identifiers: ClinVar variation 4994773 (VCV004994773.1).
Genomic context (GRCh38, chr13:27,622,910, plus strand): 5'-ATTTTTATAAAAAATATGTGTGTAGAAAAATATCTGGATTGAAGACCTCAATGGCTGAAG[G>A]CGAGAGGAAGACAGCCCTGGAAATGGTCCAGGCAGCTGGAACAGATAGACACTGTGTGAC-3'
Protein context (NP_057056.1, residues 11-31): ISGLKTSMAE[Gly21Asp]ERKTALEMVQ